The following is an entry in ClinVar:

NM_001744.6(CAMK4):c.1132del (p.Ile378fs)

Gene: CAMK4 (calcium/calmodulin dependent protein kinase IV; plus strand). Cytogenetic location: 5q22.1.
Variant type: Deletion.
Coding change: c.1132del on transcript NM_001744.6 (MANE Select); coding-DNA position 1132, one base deleted (A; older notation c.1132delA).
Protein change: p.Ile378fs; shifts the reading frame from isoleucine 378.
Molecular consequence: frameshift variant.
Genome position (GRCh38, 1-based): chr5:111,484,176, A deleted; the last of 4 consecutive A bases (chr5:111,484,173-111,484,176); deleting any one gives the same sequence. VCF-style (leftmost placement, unchanged base first): chr5-111484172-GA-G. GRCh37 (hg19) VCF-style: chr5-110819870-GA-G.
Other names: c.1132del, p.Ile378fs (NM_001323374.2, NM_001323375.2); c.541del, p.Ile181fs (NM_001323376.2, NM_001323377.2); short protein forms I181fs, I378fs.
Identifiers: ClinVar variation 4278700 (VCV004278700.1).

ClinVar aggregate classification (germline): Uncertain significance (1 of 4 stars; one submission).

Submission:

GeneDx
Classification: Uncertain significance. Last evaluated: 2025-03-30. Review status: criteria provided, single submitter. Criteria: GeneDx Variant Classification Process June 2021. Collection method: clinical testing. Allele origin: germline. Affected: yes.
Comment: Not observed at significant frequency in large population cohorts (gnomAD); Has not been previously published as pathogenic or benign to our knowledge; Frameshift variant predicted to result in protein truncation or nonsense mediated decay in a gene for which loss-of-function is not an established mechanism of disease